The following is an entry in ClinVar:

NM_001164508.2(NEB):c.1444A>G (p.Ile482Val)

Gene: NEB (nebulin; minus strand). Cytogenetic location: 2q23.3.
Variant type: single nucleotide variant.
Coding change: c.1444A>G on transcript NM_001164508.2 (MANE Select); coding-DNA position 1444, A replaced by G.
Protein change: p.Ile482Val; replaces isoleucine 482 with valine.
Molecular consequence: missense variant.
Genome position (GRCh38, 1-based): chr2:151,697,174, T>C on the plus strand (A>G on the coding strand, the complement: NEB is on the minus strand). VCF-style: chr2-151697174-T-C. GRCh37 (hg19) VCF-style: chr2-152553688-T-C.
Other names: c.1444A>G, p.Ile482Val (NM_001164507.2, NM_001271208.2, NM_004543.5); short protein forms I482V.
Identifiers: ClinVar variation 1430723 (VCV001430723.7), dbSNP rs945055152, ClinGen allele CA57677119.

ClinVar aggregate classification (germline): Uncertain significance (1 of 4 stars; one submission).

Conditions:
Nemaline myopathy 2 (NEM2). Also called: Nemaline myopathy 2, autosomal recessive. Identifiers: MedGen C1850569, MONDO:0009725, OMIM 256030.

Allele frequency attached by ClinVar (database versions not stated): gnomAD exomes below 0.00001; TOPMed 0.00001.
gnomAD v4.1: 4 of 1,613,562 alleles (0.00025%); highest among the groups gnomAD compares: Admixed American, 0.0033%; no homozygotes.

Submission:

Labcorp Genetics (formerly Invitae), Labcorp
Classification: Uncertain significance for Nemaline myopathy 2. Last evaluated: 2024-11-04. Review status: criteria provided, single submitter. Criteria: Invitae Variant Classification Sherloc (09022015). Collection method: clinical testing. Allele origin: germline.
Comment: This sequence change replaces isoleucine, which is neutral and non-polar, with valine, which is neutral and non-polar, at codon 482 of the NEB protein (p.Ile482Val). This variant is not present in population databases (gnomAD no frequency). This variant has not been reported in the literature in individuals affected with NEB-related conditions. ClinVar contains an entry for this variant (Variation ID: 1430723). Experimental studies and prediction algorithms are not available or were not evaluated, and the functional significance of this variant is currently unknown. In summary, the available evidence is currently insufficient to determine the role of this variant in disease. Therefore, it has been classified as a Variant of Uncertain Significance.